The following is an entry in ClinVar:

NM_031475.3(ESPN):c.2167G>C (p.Val723Leu)

Gene: ESPN (espin; plus strand). Cytogenetic location: 1p36.31.
Variant type: single nucleotide variant.
Coding change: c.2167G>C on transcript NM_031475.3 (MANE Select); coding-DNA position 2167, G replaced by C.
Protein change: p.Val723Leu; replaces valine 723 with leucine.
Molecular consequence: missense variant.
Genome position (GRCh38, 1-based): chr1:6,451,938, G>C. VCF-style: chr1-6451938-G-C. GRCh37 (hg19) VCF-style: chr1-6511998-G-C.
Other names: c.2077G>C, p.Val693Leu (NM_001367473.1); c.2104G>C, p.Val702Leu (NM_001367474.1); short protein forms V693L, V702L, V723L.
Identifiers: ClinVar variation 1803614 (VCV001803614.1), dbSNP rs370514263, ClinGen allele CA560407.

ClinVar aggregate classification (germline): Uncertain significance (1 of 4 stars; one submission).

Allele frequency attached by ClinVar (database versions not stated): ESP Exome Variant Server 0.00008.
gnomAD v4.1: 5 of 1,610,498 alleles (0.00031%); highest among the groups gnomAD compares: African/African-American, 0.0067%; no homozygotes.

Submission:

GeneDx
Classification: Uncertain significance. Last evaluated: 2022-06-07. Review status: criteria provided, single submitter. Criteria: GeneDx Variant Classification Process June 2021. Collection method: clinical testing. Allele origin: germline. Affected: yes.
Comment: In silico analysis supports that this missense variant does not alter protein structure/function; Has not been previously published as pathogenic or benign to our knowledge